The following is an entry in ClinVar:

NM_032043.3(BRIP1):c.763C>G (p.Gln255Glu)

Gene: BRIP1 (BRCA1 interacting DNA helicase 1; minus strand). Cytogenetic location: 17q23.2.
Variant type: single nucleotide variant.
Coding change: c.763C>G on transcript NM_032043.3 (MANE Select); coding-DNA position 763, C replaced by G.
Protein change: p.Gln255Glu; replaces glutamine 255 with glutamic acid.
Molecular consequence: missense variant.
Genome position (GRCh38, 1-based): chr17:61,808,622, G>C on the plus strand (C>G on the coding strand, the complement: BRIP1 is on the minus strand). VCF-style: chr17-61808622-G-C. GRCh37 (hg19) VCF-style: chr17-59885983-G-C.
Other names: short protein forms Q255E.
Identifiers: ClinVar variation 827164 (VCV000827164.4), dbSNP rs1603346830, ClinGen allele CA400484961.

ClinVar aggregate classification (germline): Uncertain significance (1 of 4 stars; one submission).

Conditions:
Hereditary cancer-predisposing syndrome. Also called: Neoplastic Syndromes, Hereditary; Tumor predisposition; Hereditary neoplastic syndrome; Hereditary Cancer Syndrome. Identifiers: Orphanet 140162, MedGen C0027672, MeSH D009386, MONDO:0015356.

Submission:

Ambry Genetics
Classification: Uncertain significance for Hereditary cancer-predisposing syndrome. Last evaluated: 2018-12-19. Review status: criteria provided, single submitter. Criteria: Ambry Variant Classification Scheme 2023. Collection method: clinical testing. Allele origin: germline.
Comment: The p.Q255E variant (also known as c.763C>G), located in coding exon 6 of the BRIP1 gene, results from a C to G substitution at nucleotide position 763. The glutamine at codon 255 is replaced by glutamic acid, an amino acid with highly similar properties. This amino acid position is highly conserved in available vertebrate species. In addition, the in silico prediction for this alteration is inconclusive. Since supporting evidence is limited at this time, the clinical significance of this alteration remains unclear.